The following is an entry in ClinVar:

ClinVar aggregate classification (germline): Uncertain significance. Review status: criteria provided, multiple submitters, no conflicts (2 of 4 stars). 2 submissions from 2 submitters: Uncertain significance (2). Last evaluated 2024-12-12.

Conditions:
Hereditary cancer-predisposing syndrome. Also called: Tumor predisposition; Hereditary neoplastic syndrome; Neoplastic Syndromes, Hereditary; Hereditary Cancer Syndrome. Identifiers: Orphanet 140162, MedGen C0027672, MeSH D009386, MONDO:0015356.
Rhabdoid tumor predisposition syndrome 2 (RTPS2). Identifiers: Orphanet 231108, Orphanet 69077, MedGen C2750074, MONDO:0013224, OMIM 613325.

Submissions (2):

Labcorp Genetics (formerly Invitae), Labcorp
Classification: Uncertain significance for Rhabdoid tumor predisposition syndrome 2. Last evaluated: 2024-12-12. Review status: criteria provided, single submitter. Criteria: Invitae Variant Classification Sherloc (09022015). Collection method: clinical testing. Allele origin: germline.
Comment: This sequence change replaces proline, which is neutral and non-polar, with arginine, which is basic and polar, at codon 693 of the SMARCA4 protein (p.Pro693Arg). This variant is not present in population databases (gnomAD no frequency). This variant has not been reported in the literature in individuals affected with SMARCA4-related conditions. ClinVar contains an entry for this variant (Variation ID: 846239). Invitae Evidence Modeling of protein sequence and biophysical properties (such as structural, functional, and spatial information, amino acid conservation, physicochemical variation, residue mobility, and thermodynamic stability) indicates that this missense variant is not expected to disrupt SMARCA4 protein function with a negative predictive value of 95%. In summary, the available evidence is currently insufficient to determine the role of this variant in disease. Therefore, it has been classified as a Variant of Uncertain Significance.

Ambry Genetics
Classification: Uncertain significance for Hereditary cancer-predisposing syndrome. Last evaluated: 2024-01-30. Review status: criteria provided, single submitter. Criteria: Ambry Variant Classification Scheme 2023. Collection method: clinical testing. Allele origin: germline.
Comment: The p.P693R variant (also known as c.2078C>G), located in coding exon 13 of the SMARCA4 gene, results from a C to G substitution at nucleotide position 2078. The proline at codon 693 is replaced by arginine, an amino acid with dissimilar properties. This amino acid position is highly conserved in available vertebrate species. In addition, this alteration is predicted to be deleterious by in silico analysis. Based on the available evidence, the clinical significance of this alteration remains unclear.

NM_003072.5(SMARCA4):c.2078C>G (p.Pro693Arg)

Gene: SMARCA4 (SWI/SNF related BAF chromatin remodeling complex subunit ATPase 4; plus strand). Cytogenetic location: 19p13.2.
Variant type: single nucleotide variant.
Coding change: c.2078C>G on transcript NM_003072.5 (MANE Select); coding-DNA position 2078, C replaced by G.
Protein change: p.Pro693Arg; replaces proline 693 with arginine.
Molecular consequence: missense variant. On other transcripts: non-coding transcript variant (1).
Genome position (GRCh38, 1-based): chr19:11,007,978, C>G. VCF-style: chr19-11007978-C-G. GRCh37 (hg19) VCF-style: chr19-11118654-C-G.
Other names: c.2078C>G, p.Pro693Arg (NM_001128844.3, NM_001128845.2, NM_001128846.2 and 4 more transcripts); short protein forms P693R.
Identifiers: ClinVar variation 846239 (VCV000846239.10), dbSNP rs2088404188, ClinGen allele CA404052529.
Genomic context (GRCh38, chr19:11,007,978, plus strand): 5'-AGCCGCAGGCAGCACAGCCTCCCACCCTGCCCGTGGAGGAGAAGAAGAAGATTCCAGATC[C>G]AGACAGCGATGACGTCTCTGAGGTGGACGCGCGGCACATCATTGAGTAAGGGGTCCCGAC-3'
Protein context (NP_003063.2, residues 683-703): PVEEKKKIPD[Pro693Arg]DSDDVSEVDA